The following is an entry in ClinVar:

ClinVar aggregate classification (germline): Uncertain significance. Review status: criteria provided, multiple submitters, no conflicts (2 of 4 stars). 3 submissions from 3 submitters: Uncertain significance (3). Last evaluated 2025-11-17.

Conditions:
ALPK3-related disorder. Also called: ALPK3-related condition.
Cardiovascular phenotype. Identifiers: MedGen CN230736.

Allele frequency attached by ClinVar (database versions not stated): gnomAD 0.00002; TOPMed 0.00002.
gnomAD v4.1: 3 of 1,613,732 alleles (0.00019%); highest among the groups gnomAD compares: African/African-American, 0.004%; no homozygotes.

Submissions (3):

Labcorp Genetics (formerly Invitae), Labcorp
Classification: Uncertain significance. Last evaluated: 2025-11-17. Review status: criteria provided, single submitter. Criteria: Invitae Variant Classification Sherloc (09022015). Collection method: clinical testing. Allele origin: germline.
Comment: This sequence change replaces alanine, which is neutral and non-polar, with proline, which is neutral and non-polar, at codon 509 of the ALPK3 protein (p.Ala509Pro). This variant is present in population databases (no rsID available, gnomAD 0.007%). This variant has not been reported in the literature in individuals affected with ALPK3-related conditions. ClinVar contains an entry for this variant (Variation ID: 1774520). Invitae Evidence Modeling of protein sequence and biophysical properties (such as structural, functional, and spatial information, amino acid conservation, physicochemical variation, residue mobility, and thermodynamic stability) indicates that this missense variant is not expected to disrupt ALPK3 protein function with a negative predictive value of 80%. In summary, the available evidence is currently insufficient to determine the role of this variant in disease. Therefore, it has been classified as a Variant of Uncertain Significance.

PreventionGenetics, part of Exact Sciences
Classification: Uncertain significance for ALPK3-related condition. Last evaluated: 2025-10-12. Review status: criteria provided, single submitter. Criteria: ACMG Guidelines, 2015. Collection method: clinical testing. Allele origin: germline.
Comment: The ALPK3 c.1525G>C variant is predicted to result in the amino acid substitution p.Ala509Pro. To our knowledge, this variant has not been reported in the literature. This variant is reported in 0.0062% of alleles in individuals of African descent in gnomAD. At this time, the clinical significance of this variant is uncertain due to the absence of conclusive functional and genetic evidence.

Ambry Genetics
Classification: Uncertain significance for Cardiovascular phenotype. Last evaluated: 2023-10-29. Review status: criteria provided, single submitter. Criteria: Ambry Variant Classification Scheme 2023. Collection method: clinical testing. Allele origin: germline.
Comment: The p.A509P variant (also known as c.1525G>C), located in coding exon 5 of the ALPK3 gene, results from a G to C substitution at nucleotide position 1525. The alanine at codon 509 is replaced by proline, an amino acid with highly similar properties. This amino acid position is poorly conserved in available vertebrate species. In addition, this alteration is predicted to be tolerated by in silico analysis. Since supporting evidence is limited at this time, the clinical significance of this alteration remains unclear.

NM_020778.5(ALPK3):c.919G>C (p.Ala307Pro)

Gene: ALPK3 (alpha kinase 3; plus strand). Cytogenetic location: 15q25.3.
Variant type: single nucleotide variant.
Coding change: c.919G>C on transcript NM_020778.5 (MANE Select); coding-DNA position 919, G replaced by C.
Protein change: p.Ala307Pro; replaces alanine 307 with proline.
Molecular consequence: missense variant.
Genome position (GRCh38, 1-based): chr15:84,840,198, G>C. VCF-style: chr15-84840198-G-C. GRCh37 (hg19) VCF-style: chr15-85383429-G-C.
Other names: short protein forms A307P.
Identifiers: ClinVar variation 1774520 (VCV001774520.9), dbSNP rs957746653, ClinGen allele CA273665712.